The following is an entry in ClinVar:

NM_004004.6(GJB2):c.479G>A (p.Gly160Asp)

Gene: GJB2 (gap junction protein beta 2; minus strand). Cytogenetic location: 13q12.11.
Variant type: single nucleotide variant.
Coding change: c.479G>A on transcript NM_004004.6 (MANE Select); coding-DNA position 479, G replaced by A.
Protein change: p.Gly160Asp; replaces glycine 160 with aspartic acid.
Molecular consequence: missense variant.
Genome position (GRCh38, 1-based): chr13:20,189,103, C>T on the plus strand (G>A on the coding strand, the complement: GJB2 is on the minus strand). VCF-style: chr13-20189103-C-T. GRCh37 (hg19) VCF-style: chr13-20763242-C-T.
Other names: short protein forms G160D.
Identifiers: ClinVar variation 5003505 (VCV005003505.1).
Genomic context (GRCh38, chr13:20,189,103, plus strand): 5'-CAGTCCACAGTGTTGGGACAAGGCCAGGCGTTGCACTTCACCAGCCGCTGCATGGAGAAG[C>T]CGTCGTACATGACATAGAAGACGTACATGAAGGCGGCTTCGAAGATGACCCGGAAGAAGA-3'
Protein context (NP_003995.2, residues 150-170): FMYVFYVMYD[Gly160Asp]FSMQRLVKCN

ClinVar aggregate classification (germline): Uncertain significance (1 of 4 stars; one submission).

Conditions:
Nonsyndromic genetic hearing loss. Also called: Non-syndromic genetic deafness; Nonsyndromic genetic deafness; Nonsyndromic hearing loss and deafness. Identifiers: Orphanet 87884, MedGen C5680182, MONDO:0019497.

gnomAD v4.1: 3 of 1,614,110 alleles (0.00019%); highest among the groups gnomAD compares: Middle Eastern, 0.016%; no homozygotes.

Submission:

Myriad Genetics, Inc.
Classification: Uncertain significance for Nonsyndromic genetic hearing loss. Last evaluated: 2026-03-12. Review status: criteria provided, single submitter. Criteria: Myriad Autosomal Dominant, Autosomal Recessive and X-Linked Classification Criteria (2023). Collection method: clinical testing. Allele origin: unknown.
Comment: NM_004004.5(GJB2):c.479G>A(G160D) is a missense variant classified as a variant of uncertain significance in the context of nonsyndromic hearing loss, GJB2-related. G160D has been observed in cases with relevant disease (PMID: 39161163, 19929407). Relevant functional assessments of this variant are not available in the literature. G160D has not been observed in referenced population frequency databases. In summary, there is insufficient evidence to classify NM_004004.5(GJB2):c.479G>A(G160D) as pathogenic or benign. Please note: this variant was assessed in the context of healthy population screening.

Literature cited by the submitters: PubMed 19929407; PubMed 39161163.